The following is an entry in ClinVar:

NM_023110.3(FGFR1):c.692T>C (p.Ile231Thr)

Gene: FGFR1 (fibroblast growth factor receptor 1; minus strand). Cytogenetic location: 8p11.23.
Variant type: single nucleotide variant.
Coding change: c.692T>C on transcript NM_023110.3 (MANE Select); coding-DNA position 692, T replaced by C.
Protein change: p.Ile231Thr; replaces isoleucine 231 with threonine.
Molecular consequence: missense variant.
Genome position (GRCh38, 1-based): chr8:38,426,175, A>G on the plus strand (T>C on the coding strand, the complement: FGFR1 is on the minus strand). VCF-style: chr8-38426175-A-G. GRCh37 (hg19) VCF-style: chr8-38283693-A-G.
Other names: c.692T>C, p.Ile231Thr (NM_001174063.2); c.668T>C, p.Ile223Thr (NM_001174064.2); c.686T>C, p.Ile229Thr (NM_001174065.2, NM_001354367.2, NM_001354369.2 and 2 more transcripts); c.425T>C, p.Ile142Thr (NM_001174066.2, NM_023105.3); c.785T>C, p.Ile262Thr (NM_001174067.2); c.419T>C, p.Ile140Thr (NM_001354368.2, NM_001354370.2, NM_023106.3); short protein forms I140T, I142T, I223T, I229T, I231T, I262T.
Identifiers: ClinVar variation 4879452 (VCV004879452.1).

ClinVar aggregate classification (germline): Uncertain significance (1 of 4 stars; one submission).

Conditions:
Hypogonadotropic hypogonadism 2 with or without anosmia (HH2). Also called: HYPOGONADOTROPIC HYPOGONADISM 2 WITHOUT ANOSMIA; HYPOGONADOTROPIC HYPOGONADISM 2 WITH OR WITHOUT ANOSMIA, SUSCEPTIBILITY TO; HYPOGONADOTROPIC HYPOGONADISM 2 WITHOUT ANOSMIA, SUSCEPTIBILITY TO; FGFR1-Related GnRH Deficiency (Kallmann Syndrome 2). Identifiers: Orphanet 478, MedGen C1563720, MONDO:0007844, OMIM 147950. Disease mechanism: loss of function.

Submission:

Department of Pediatrics, Asan Medical Center, University of Ulsan College of Medicine
Classification: Uncertain significance for Hypogonadotropic hypogonadism 2 with or without anosmia. Last evaluated: 2026-07-19. Review status: criteria provided, single submitter. Criteria: ACMG Guidelines, 2015. Collection method: research. Allele origin: germline. Inheritance: Autosomal dominant inheritance. Affected: yes. Observed: 1 heterozygote.
Comment: ACMG/AMP evidence codes: PM1, PM2_Supporting. In silico predictions: CADD 25.6, PolyPhen-2 possibly damaging, SIFT damaging, REVEL 0.334, MutationTaster disease causing. Not found in gnomAD. Novel variant.